The following is an entry in ClinVar:

NM_000397.4(CYBB):c.1320C>G (p.Tyr440Ter)

Gene: CYBB (cytochrome b-245 beta chain; plus strand). Cytogenetic location: Xp11.4.
Variant type: single nucleotide variant.
Coding change: c.1320C>G on transcript NM_000397.4 (MANE Select); coding-DNA position 1320, C replaced by G.
Protein change: p.Tyr440Ter; replaces tyrosine 440 with a stop codon.
Molecular consequence: nonsense.
Genome position (GRCh38, 1-based): chrX:37,806,392, C>G. VCF-style: chrX-37806392-C-G. GRCh37 (hg19) VCF-style: chrX-37665645-C-G.
Other names: short protein forms Y440*.
Identifiers: ClinVar variation 659169 (VCV000659169.1), dbSNP rs200129367, ClinGen allele CA412977988.

ClinVar aggregate classification (germline): Pathogenic (1 of 4 stars; one submission).

Conditions:
Granulomatous disease, chronic, X-linked. Also called: CYTOCHROME b-NEGATIVE GRANULOMATOUS DISEASE, CHRONIC, X-LINKED; GRANULOMATOUS DISEASE, CHRONIC, X-LINKED, SOMATIC MOSAIC. Identifiers: Orphanet 379, MedGen C1844376, MONDO:0010600, OMIM 306400.

Submission:

Labcorp Genetics (formerly Invitae), Labcorp
Classification: Pathogenic for Chronic granulomatous disease, X-linked. Last evaluated: 2018-10-19. Review status: criteria provided, single submitter. Criteria: Invitae Variant Classification Sherloc (09022015). Collection method: clinical testing. Allele origin: germline.
Comment: This sequence change creates a premature translational stop signal (p.Tyr440*) in the CYBB gene. It is expected to result in an absent or disrupted protein product. This variant is not present in population databases (ExAC no frequency). This variant has been observed in several individuals affected with chronic granulomatous disease (PMID:Â¬â€ 20729109,Â¬â€ 28251166). Loss-of-function variants in CYBB are known to be pathogenic (PMID: 9585602, 20729109). For these reasons, this variant has been classified as Pathogenic.